The following is an entry in ClinVar:

ClinVar aggregate classification (germline): Uncertain significance (1 of 4 stars; one submission).

gnomAD v4.1: 1 of 1,609,534 alleles (0.000062%); highest among the groups gnomAD compares: Admixed American, 0.0017%; no homozygotes.

Submission:

GeneDx
Classification: Uncertain significance. Last evaluated: 2023-05-24. Review status: criteria provided, single submitter. Criteria: GeneDx Variant Classification Process June 2021. Collection method: clinical testing. Allele origin: germline. Affected: yes.
Comment: Not observed at significant frequency in large population cohorts (gnomAD); Has not been previously published as pathogenic or benign to our knowledge; In silico analysis is inconclusive as to whether the variant alters gene splicing; in the absence of RNA/functional studies the actual effect of this sequence change is unknown.

NM_022124.6(CDH23):c.3369+6T>A

Genes: C10orf105 (chromosome 10 open reading frame 105; minus strand), CDH23 (cadherin related 23; plus strand). Cytogenetic location: 10q22.1.
Variant type: single nucleotide variant.
Coding change: c.3369+6T>A on transcript NM_022124.6 (MANE Select); 6 bases into the intron after coding-DNA position 3369, T replaced by A.
Molecular consequence: intron variant. On other transcripts: 3 prime UTR variant (2).
Genome position (GRCh38, 1-based): chr10:71,712,819, T>A. VCF-style: chr10-71712819-T-A. GRCh37 (hg19) VCF-style: chr10-73472576-T-A.
Other names: c.*3117A>T (NM_001164375.3, NM_001168390.2); c.3369+6T>A (NM_001171930.2).
Identifiers: ClinVar variation 3343710 (VCV003343710.1).
Genomic context (GRCh38, chr10:71,712,819, plus strand): 5'-CAGCTATGAGGCCAGCGTCCCTGAGGACATCCCTGAAGGCCACAGCATCTTGCAGGCAGG[T>A]GGCCCGTGGCCTCTGGGGCAGGTGGTGGGCTGGGGGAGGCGGAGCCACACACGGCCCTGA-3'